The following is an entry in ClinVar:

ClinVar aggregate classification (germline): Uncertain significance (1 of 4 stars; one submission).

Submission:

GeneDx
Classification: Uncertain significance. Last evaluated: 2022-11-30. Review status: criteria provided, single submitter. Criteria: GeneDx Variant Classification Process June 2021. Collection method: clinical testing. Allele origin: germline.
Comment: Has not been previously published as pathogenic or benign to our knowledge; Not observed at significant frequency in large population cohorts (gnomAD); In silico analysis supports that this missense variant does not alter protein structure/function

NM_014991.6(WDFY3):c.7041C>G (p.Ile2347Met)

Gene: WDFY3 (WD repeat and FYVE domain containing 3; minus strand). Cytogenetic location: 4q21.23.
Variant type: single nucleotide variant.
Coding change: c.7041C>G on transcript NM_014991.6 (MANE Select); coding-DNA position 7041, C replaced by G.
Protein change: p.Ile2347Met; replaces isoleucine 2347 with methionine.
Molecular consequence: missense variant.
Genome position (GRCh38, 1-based): chr4:84,733,562, G>C on the plus strand (C>G on the coding strand, the complement: WDFY3 is on the minus strand). VCF-style: chr4-84733562-G-C. GRCh37 (hg19) VCF-style: chr4-85654715-G-C.
Other names: short protein forms I2347M.
Identifiers: ClinVar variation 1699627 (VCV001699627.3), dbSNP rs561919899, ClinGen allele CA357549571.